The following is an entry in ClinVar:

ClinVar aggregate classification (germline): Uncertain significance. Review status: criteria provided, multiple submitters, no conflicts (2 of 4 stars). 2 submissions from 2 submitters: Uncertain significance (2). Last evaluated 2023-01-26.

Conditions:
Inborn genetic diseases. Identifiers: MedGen C0950123, MeSH D030342.

Allele frequency attached by ClinVar (database versions not stated): TOPMed below 0.00001; ExAC 0.00001; gnomAD 0.00001; gnomAD exomes 0.00001.

Submissions (2):

Ambry Genetics
Classification: Uncertain significance for Inborn genetic diseases. Last evaluated: 2023-01-26. Review status: criteria provided, single submitter. Criteria: Ambry Variant Classification Scheme 2023. Collection method: clinical testing. Allele origin: germline.

Labcorp Genetics (formerly Invitae), Labcorp
Classification: Uncertain significance. Last evaluated: 2021-12-19. Review status: criteria provided, single submitter. Criteria: Invitae Variant Classification Sherloc (09022015). Collection method: clinical testing. Allele origin: germline.
Comment: This sequence change replaces proline, which is neutral and non-polar, with serine, which is neutral and polar, at codon 392 of the COL9A1 protein (p.Pro392Ser). This variant is present in population databases (rs771529790, gnomAD 0.003%). This variant has not been reported in the literature in individuals affected with COL9A1-related conditions. Advanced modeling of protein sequence and biophysical properties (such as structural, functional, and spatial information, amino acid conservation, physicochemical variation, residue mobility, and thermodynamic stability) performed at Invitae indicates that this missense variant is not expected to disrupt COL9A1 protein function. In summary, the available evidence is currently insufficient to determine the role of this variant in disease. Therefore, it has been classified as a Variant of Uncertain Significance.

NM_001851.6(COL9A1):c.1174C>T (p.Pro392Ser)

Genes: COL9A1 (collagen type IX alpha 1 chain; minus strand), LOC129996692 (ATAC-STARR-seq lymphoblastoid active region 24730; plus strand). Cytogenetic location: 6q13.
Variant type: single nucleotide variant.
Coding change: c.1174C>T on transcript NM_001851.6 (MANE Select); coding-DNA position 1174, C replaced by T.
Protein change: p.Pro392Ser; replaces proline 392 with serine.
Molecular consequence: missense variant. On other transcripts: non-coding transcript variant (1).
Genome position (GRCh38, 1-based): chr6:70,270,337, G>A on the plus strand (C>T on the coding strand, the complement: COL9A1 is on the minus strand). VCF-style: chr6-70270337-G-A. GRCh37 (hg19) VCF-style: chr6-70980040-G-A.
Other names: c.445C>T, p.Pro149Ser (NM_001377289.1, NM_001377290.1, NM_078485.4); c.1174C>T (NM_001851.4); short protein forms P392S, P149S.
Identifiers: ClinVar variation 1372999 (VCV001372999.6), dbSNP rs771529790, ClinGen allele CA3882363.